The following is an entry in ClinVar:

ClinVar aggregate classification (germline): Uncertain significance. Review status: criteria provided, multiple submitters, no conflicts (2 of 4 stars). 2 submissions from 2 submitters: Uncertain significance (2). Last evaluated 2026-10-24.

Conditions:
Inborn genetic diseases. Identifiers: MedGen C0950123, MeSH D030342.

gnomAD v4.1: 2 of 1,589,878 alleles (0.00013%); highest among the groups gnomAD compares: Non-Finnish European, 0.00017%; no homozygotes.

Submissions (2):

GeneDx
Classification: Uncertain significance. Last evaluated: 2026-10-24. Review status: criteria provided, single submitter. Criteria: GeneDx Variant Classification Process June 2021. Collection method: clinical testing. Allele origin: germline.
Comment: Not observed at significant frequency in large population cohorts (gnomAD); In silico analysis suggests that this missense variant does not alter protein structure/function; Has not been previously published as pathogenic or benign to our knowledge

Ambry Genetics
Classification: Uncertain significance for Inborn genetic diseases. Last evaluated: 2024-12-31. Review status: criteria provided, single submitter. Criteria: Ambry Variant Classification Scheme 2023. Collection method: clinical testing. Allele origin: germline.

NM_001379081.2(FREM1):c.2114G>A (p.Ser705Asn)

Gene: FREM1 (FRAS1 related extracellular matrix 1; minus strand). Cytogenetic location: 9p22.3.
Variant type: single nucleotide variant.
Coding change: c.2114G>A on transcript NM_001379081.2 (MANE Select); coding-DNA position 2114, G replaced by A.
Protein change: p.Ser705Asn; replaces serine 705 with asparagine.
Molecular consequence: missense variant. On other transcripts: non-coding transcript variant (2).
Genome position (GRCh38, 1-based): chr9:14,824,080, C>T on the plus strand (G>A on the coding strand, the complement: FREM1 is on the minus strand). VCF-style: chr9-14824080-C-T. GRCh37 (hg19) VCF-style: chr9-14824078-C-T.
Other names: c.2114G>A, p.Ser705Asn (NM_144966.7); short protein forms S705N.
Identifiers: ClinVar variation 3365675 (VCV003365675.3).
Genomic context (GRCh38, chr9:14,824,080, plus strand): 5'-CATACCTGAGTGAATGACCTCAGCTCCAGGGCCGTAGGATTCTTAACTACTTTTGGTATG[C>T]TGTCCACCATAAATAATTTCCCAGCATCCAAGTGTCTAAAGAGAAATACAGAGGAGCACA-3'
Protein context (NP_001366010.1, residues 695-715): LDAGKLFMVD[Ser705Asn]IPKVVKNPTA